The following is an entry in ClinVar:

NM_001853.4(COL9A3):c.1204C>T (p.Arg402Ter)

Gene: COL9A3 (collagen type IX alpha 3 chain; plus strand). Cytogenetic location: 20q13.33.
Variant type: single nucleotide variant.
Coding change: c.1204C>T on transcript NM_001853.4 (MANE Select); coding-DNA position 1204, C replaced by T.
Protein change: p.Arg402Ter; replaces arginine 402 with a stop codon.
Molecular consequence: nonsense.
Genome position (GRCh38, 1-based): chr20:62,830,402, C>T. VCF-style: chr20-62830402-C-T. GRCh37 (hg19) VCF-style: chr20-61461754-C-T.
Other names: COL9A3, ARG402TER (rs989413835); short protein forms R402*.
Identifiers: ClinVar variation 1703482 (VCV001703482.4), dbSNP rs989413835, ClinGen allele CA317334770.

ClinVar aggregate classification (germline): Pathogenic. Review status: criteria provided, single submitter (1 of 4 stars). 2 submissions from 2 submitters: Pathogenic (1). 1 of the submissions does not count toward it. Last evaluated 2025-07-22.

Conditions:
Stickler syndrome, type 6. Also called: Stickler syndrome, type VI; Stickler syndrome, IIa 6. Identifiers: MedGen C5774207, MONDO:0031047, OMIM 620022.

Allele frequency attached by ClinVar (database versions not stated): TOPMed 0.00001; gnomAD exomes below 0.00001.
gnomAD v4.1: 5 of 1,570,010 alleles (0.00032%); highest among the groups gnomAD compares: Non-Finnish European, 0.00043%; no homozygotes.

Submissions (2):

Labcorp Genetics (formerly Invitae), Labcorp
Classification: Pathogenic. Last evaluated: 2025-07-22. Review status: criteria provided, single submitter. Criteria: Invitae Variant Classification Sherloc (09022015). Collection method: clinical testing. Allele origin: germline.
Comment: This sequence change creates a premature translational stop signal (p.Arg402*) in the COL9A3 gene. It is expected to result in an absent or disrupted protein product. Loss-of-function variants in COL9A3 are known to be pathogenic (PMID: 24273071, 31090205). This variant is not present in population databases (gnomAD no frequency). This premature translational stop signal has been observed in individual(s) with Stickler syndrome (PMID: 35241111). ClinVar contains an entry for this variant (Variation ID: 1703482). For these reasons, this variant has been classified as Pathogenic.

OMIM
Classification: Pathogenic for STICKLER SYNDROME, TYPE VI. Last evaluated: 2022-08-29. Review status: no assertion criteria provided. Collection method: literature only. Allele origin: germline. Not counted in ClinVar's aggregate classification.

Literature cited by the submitters: PubMed 24273071 (cited by Labcorp Genetics (formerly Invitae), Labcorp); PubMed 31090205 (cited by Labcorp Genetics (formerly Invitae), Labcorp); PubMed 35241111 (cited by Labcorp Genetics (formerly Invitae), Labcorp and OMIM).